The following is an entry in ClinVar:

ClinVar aggregate classification (germline): Uncertain significance. Review status: criteria provided, multiple submitters, no conflicts (2 of 4 stars). 2 submissions from 2 submitters: Uncertain significance (2). Last evaluated 2022-12-01.

Conditions:
Lysinuric protein intolerance (LPI). Identifiers: Orphanet 470, MedGen C0268647, MONDO:0009109, OMIM 222700.
Inborn genetic diseases. Identifiers: MedGen C0950123, MeSH D030342.

Allele frequency attached by ClinVar (database versions not stated): ExAC 0.00002; gnomAD 0.00002; TOPMed 0.00002; gnomAD exomes 0.00004; 1000 Genomes Project 30x 0.00016; 1000 Genomes Project 0.00020.
gnomAD v4.1: 61 of 1,614,106 alleles (0.0038%); highest among the groups gnomAD compares: South Asian, 0.0066%; no homozygotes.

Submissions (2):

Ambry Genetics
Classification: Uncertain significance for Inborn genetic diseases. Last evaluated: 2022-12-01. Review status: criteria provided, single submitter. Criteria: Ambry Variant Classification Scheme 2023. Collection method: clinical testing. Allele origin: germline.

Labcorp Genetics (formerly Invitae), Labcorp
Classification: Uncertain significance for Lysinuric protein intolerance. Last evaluated: 2021-08-28. Review status: criteria provided, single submitter. Criteria: Invitae Variant Classification Sherloc (09022015). Collection method: clinical testing. Allele origin: germline.
Comment: This sequence change replaces proline with leucine at codon 28 of the SLC7A7 protein (p.Pro28Leu). The proline residue is weakly conserved and there is a moderate physicochemical difference between proline and leucine. This variant is present in population databases (rs527246068, ExAC 0.006%). This variant has not been reported in the literature in individuals affected with SLC7A7-related conditions. Algorithms developed to predict the effect of missense changes on protein structure and function (SIFT, PolyPhen-2, Align-GVGD) all suggest that this variant is likely to be tolerated. In summary, the available evidence is currently insufficient to determine the role of this variant in disease. Therefore, it has been classified as a Variant of Uncertain Significance.

NM_003982.4(SLC7A7):c.83C>T (p.Pro28Leu)

Genes: SLC7A7 (solute carrier family 7 member 7; minus strand), LOC130055323 (ATAC-STARR-seq lymphoblastoid silent region 5589; plus strand). Cytogenetic location: 14q11.2.
Variant type: single nucleotide variant.
Coding change: c.83C>T on transcript NM_003982.4 (MANE Select); coding-DNA position 83, C replaced by T.
Protein change: p.Pro28Leu; replaces proline 28 with leucine.
Molecular consequence: missense variant.
Genome position (GRCh38, 1-based): chr14:22,813,316, G>A on the plus strand (C>T on the coding strand, the complement: SLC7A7 is on the minus strand). VCF-style: chr14-22813316-G-A. GRCh37 (hg19) VCF-style: chr14-23282525-G-A.
Other names: c.83C>T, p.Pro28Leu (NM_001126105.3, NM_001126106.4); short protein forms P28L.
Identifiers: ClinVar variation 2201811 (VCV002201811.2), dbSNP rs527246068, ClinGen allele CA7104766.
Genomic context (GRCh38, chr14:22,813,316, plus strand): 5'-CCCACAATCAGGCACACGCCGTTAAGCAGTGAGATCTCCTTCTTCAGCTTCACCTGCTCC[G>A]GCCCTGGGCTGGCCCCATCACCCAAAGGGGAGGTTTCCACCTCAGGCTGGGAGGCCACTT-3'
Protein context (NP_003973.3, residues 18-38): SPLGDGASPG[Pro28Leu]EQVKLKKEIS